The following is an entry in ClinVar:

NM_001377229.1(DISP1):c.2284G>C (p.Glu762Gln)

Gene: DISP1 (dispatched RND transporter family member 1; plus strand). Cytogenetic location: 1q41.
Variant type: single nucleotide variant.
Coding change: c.2284G>C on transcript NM_001377229.1 (MANE Select); coding-DNA position 2284, G replaced by C.
Protein change: p.Glu762Gln; replaces glutamic acid 762 with glutamine.
Molecular consequence: missense variant.
Genome position (GRCh38, 1-based): chr1:223,003,681, G>C. VCF-style: chr1-223003681-G-C. GRCh37 (hg19) VCF-style: chr1-223177023-G-C.
Other names: c.1555G>C, p.Glu519Gln (NM_001350630.2); c.2284G>C, p.Glu762Gln (NM_001369594.1, NM_001377228.1, NM_032890.5); short protein forms E762Q, E519Q.
Identifiers: ClinVar variation 420957 (VCV000420957.2), dbSNP rs1064794816, ClinGen allele CA16617072.
Genomic context (GRCh38, chr1:223,003,681, plus strand): 5'-ATGAAACTGCCCTCACTGGAGTTATCCGAGTTCCAGGTGTTCCGGTCGTCCCATCCTTTT[G>C]AGCGTTATGATGCTGAATACAAAAAGCTTTTCATGTTTGAACGTGTTCACCATGGCGAGG-3'
Protein context (NP_001364158.1, residues 752-772): FQVFRSSHPF[Glu762Gln]RYDAEYKKLF

ClinVar aggregate classification (germline): Uncertain significance (1 of 4 stars; one submission).

Submission:

GeneDx
Classification: Uncertain significance. Last evaluated: 2016-04-12. Review status: criteria provided, single submitter. Criteria: GeneDx Variant Classification (06012015). Collection method: clinical testing. Allele origin: germline. Affected: yes.
Comment: The E762Q variant in the DISP1 gene has not been reported previously as a pathogenic variant, nor as a benign variant, to our knowledge. The E762Q variant was not observed in approximately 6,500 individuals of European and African American ancestry in the NHLBI Exome Sequencing Project, indicating it is not a common benign variant in these populations. The E762Q variant is a semi-conservative amino acid substitution, which may impact secondary protein structure as these residues differ in some properties. This substitution occurs at a position that is highly conserved across species; however, in silico analysis is inconsistent in its predictions as to whether or not the variant is damaging to the protein structure/function. As an alternate mechanism, in silico analysis also suggests that the c.2284 G>C variant creates a new, cryptic splice acceptor site upstream of the natural splice acceptor site in exon 10, which may affect splicing. However, in the absence of RNA or functional studies, the actual effect of c.2284 G>C is unknown. Therefore, given the currently available data, we interpret E762Q as a variant of uncertain significance.